The following is an entry in ClinVar:

ClinVar aggregate classification (germline): Uncertain significance (1 of 4 stars; one submission).

Conditions:
Episodic ataxia type 2 (EA2). Also called: ACETAZOLAMIDE-RESPONSIVE HEREDITARY PAROXYSMAL CEREBELLAR ATAXIA; ATAXIA, EPISODIC, WITH NYSTAGMUS; ATAXIA, FAMILIAL PAROXYSMAL; CEREBELLAR ATAXIA, PAROXYSMAL, ACETAZOLAMIDE-RESPONSIVE; CEREBELLOPATHY, HEREDITARY PAROXYSMAL; EPISODIC ATAXIA, NYSTAGMUS-ASSOCIATED. Identifiers: Orphanet 97, MedGen C1720416, MONDO:0007163, OMIM 108500.
Developmental and epileptic encephalopathy, 42 (DEE42A). Also called: Epileptic encephalopathy, early infantile, 42; DEVELOPMENTAL AND EPILEPTIC ENCEPHALOPATHY 42A; EPILEPTIC ENCEPHALOPATHY, EARLY INFANTILE, 42A. Identifiers: MedGen C4310716, MONDO:0014917, OMIM 617106.

Submission:

Labcorp Genetics (formerly Invitae), Labcorp
Classification: Uncertain significance for Developmental and epileptic encephalopathy, 42; Episodic ataxia type 2. Last evaluated: 2025-07-27. Review status: criteria provided, single submitter. Criteria: Invitae Variant Classification Sherloc (09022015). Collection method: clinical testing. Allele origin: germline.
Comment: This variant, c.3626_3640del, results in the deletion of 5 amino acid(s) of the CACNA1A protein (p.Asp1209_Asp1213del), but otherwise preserves the integrity of the reading frame. This variant is not present in population databases (gnomAD no frequency). This variant has not been reported in the literature in individuals affected with CACNA1A-related conditions. Experimental studies and prediction algorithms are not available or were not evaluated, and the functional significance of this variant is currently unknown. In summary, the available evidence is currently insufficient to determine the role of this variant in disease. Therefore, it has been classified as a Variant of Uncertain Significance.

NM_001127222.2(CACNA1A):c.3623_3637del (p.Asp1208_Asp1212del)

Gene: CACNA1A (calcium voltage-gated channel subunit alpha1 A; minus strand). Cytogenetic location: 19p13.13.
Variant type: Deletion.
Coding change: c.3623_3637del on transcript NM_001127222.2 (MANE Select); coding-DNA positions 3623 to 3637, 15 bases deleted (ACCGTGGGGAAGACG).
Protein change: p.Asp1208_Asp1212del.
Genome position (GRCh38, 1-based): chr19:13,285,123-13,285,137, CGTCTTCCCCACGGT deleted on the plus strand (ACCGTGGGGAAGACG on the coding strand, the reverse complement: CACNA1A is on the minus strand); deleting any 15 consecutive bases within chr19:13,285,123-13,285,145 gives the same sequence; the c. name uses the placement nearest the transcript's 3' end. VCF-style (leftmost placement, unchanged base first): chr19-13285122-CCGTCTTCCCCACGGT-C. GRCh37 (hg19) VCF-style: chr19-13395936-CCGTCTTCCCCACGGT-C.
Other names: c.3635_3649del, p.Asp1212_Asp1216del (NM_000068.4, NM_023035.3); c.3626_3640del, p.Asp1209_Asp1213del (NM_001127221.2, NM_001174080.2).
Identifiers: ClinVar variation 4782323 (VCV004782323.1).